The following is an entry in ClinVar:

ClinVar aggregate classification (germline): Uncertain significance (1 of 4 stars; one submission).

Submission:

Labcorp Genetics (formerly Invitae), Labcorp
Classification: Uncertain significance. Last evaluated: 2024-05-15. Review status: criteria provided, single submitter. Criteria: Invitae Variant Classification Sherloc (09022015). Collection method: clinical testing. Allele origin: germline.
Comment: This sequence change replaces glutamic acid, which is acidic and polar, with lysine, which is basic and polar, at codon 409 of the TNFAIP3 protein (p.Glu409Lys). This variant is not present in population databases (gnomAD no frequency). This variant has not been reported in the literature in individuals affected with TNFAIP3-related conditions. Advanced modeling of protein sequence and biophysical properties (such as structural, functional, and spatial information, amino acid conservation, physicochemical variation, residue mobility, and thermodynamic stability) performed at Invitae indicates that this missense variant is not expected to disrupt TNFAIP3 protein function with a negative predictive value of 80%. In summary, the available evidence is currently insufficient to determine the role of this variant in disease. Therefore, it has been classified as a Variant of Uncertain Significance.

NM_001270508.2(TNFAIP3):c.1225G>A (p.Glu409Lys)

Gene: TNFAIP3 (TNF alpha induced protein 3; plus strand). Cytogenetic location: 6q23.3.
Variant type: single nucleotide variant.
Coding change: c.1225G>A on transcript NM_001270508.2 (MANE Select); coding-DNA position 1225, G replaced by A.
Protein change: p.Glu409Lys; replaces glutamic acid 409 with lysine.
Molecular consequence: missense variant.
Genome position (GRCh38, 1-based): chr6:137,878,670, G>A. VCF-style: chr6-137878670-G-A. GRCh37 (hg19) VCF-style: chr6-138199807-G-A.
Other names: c.1225G>A, p.Glu409Lys (NM_001270507.2, NM_006290.4); short protein forms E409K.
Identifiers: ClinVar variation 3671854 (VCV003671854.2).